The following is an entry in ClinVar:

NM_032638.5(GATA2):c.1417T>C (p.Ser473Pro)

Gene: GATA2 (GATA binding protein 2; minus strand). Cytogenetic location: 3q21.3.
Variant type: single nucleotide variant.
Coding change: c.1417T>C on transcript NM_032638.5 (MANE Select); coding-DNA position 1417, T replaced by C.
Protein change: p.Ser473Pro; replaces serine 473 with proline.
Molecular consequence: missense variant.
Genome position (GRCh38, 1-based): chr3:128,481,045, A>G on the plus strand (T>C on the coding strand, the complement: GATA2 is on the minus strand). VCF-style: chr3-128481045-A-G. GRCh37 (hg19) VCF-style: chr3-128199888-A-G.
Other names: c.1417T>C, p.Ser473Pro (NM_001145661.2); c.1375T>C, p.Ser459Pro (NM_001145662.1); short protein forms S473P, S459P.
Identifiers: ClinVar variation 2071695 (VCV002071695.5), dbSNP rs2068619751, ClinGen allele CA354412455.

ClinVar aggregate classification (germline): Uncertain significance. Review status: criteria provided, multiple submitters, no conflicts (2 of 4 stars). 2 submissions from 2 submitters: Uncertain significance (2). Last evaluated 2025-02-12.

Conditions:
Inborn genetic diseases. Identifiers: MedGen C0950123, MeSH D030342.
Monocytopenia with susceptibility to infections. Also called: IMMUNODEFICIENCY 21; MONOCYTOPENIA AND MYCOBACTERIAL INFECTION SYNDROME; MONOCYTOPENIA WITH SUSCEPTIBILITY TO MYCOBACTERIAL, FUNGAL, AND PAPILLOMAVIRUS INFECTIONS AND MYELODYSPLASIA; COMBINED IMMUNODEFICIENCY WITH SUSCEPTIBILITY TO MYCOBACTERIAL, VIRAL, AND FUNGAL INFECTIONS; Dendritic cell, monocyte, B lymphocyte, and natural killer lymphocyte deficiency; GATA2 DEFICIENCY. Identifiers: Orphanet 228423, MedGen C3280030, MONDO:0013607, OMIM 614172.
Deafness-lymphedema-leukemia syndrome. Also called: Lymphedema, primary, with myelodysplasia; Emberger syndrome. Identifiers: Orphanet 3226, MedGen C3279664, MONDO:0013540, OMIM 614038.

Allele frequency attached by ClinVar (database versions not stated): gnomAD exomes below 0.00001.
gnomAD v4.1: 2 of 1,589,140 alleles (0.00013%); highest among the groups gnomAD compares: East Asian, 0.0045%; no homozygotes.

Submissions (2):

Ambry Genetics
Classification: Uncertain significance for Inborn genetic diseases. Last evaluated: 2025-02-12. Review status: criteria provided, single submitter. Criteria: Ambry Variant Classification Scheme 2023. Collection method: clinical testing. Allele origin: germline.
Comment: The p.S473P variant (also known as c.1417T>C), located in coding exon 5 of the GATA2 gene, results from a T to C substitution at nucleotide position 1417. The serine at codon 473 is replaced by proline, an amino acid with similar properties. This amino acid position is highly conserved in available vertebrate species. In addition, the in silico prediction for this alteration is inconclusive. Based on the available evidence, the clinical significance of this variant remains unclear.

Labcorp Genetics (formerly Invitae), Labcorp
Classification: Uncertain significance for Monocytopenia with susceptibility to infections; Deafness-lymphedema-leukemia syndrome. Last evaluated: 2022-01-11. Review status: criteria provided, single submitter. Criteria: Invitae Variant Classification Sherloc (09022015). Collection method: clinical testing. Allele origin: germline.
Comment: In summary, the available evidence is currently insufficient to determine the role of this variant in disease. Therefore, it has been classified as a Variant of Uncertain Significance. Algorithms developed to predict the effect of missense changes on protein structure and function are either unavailable or do not agree on the potential impact of this missense change (SIFT: "Deleterious"; PolyPhen-2: "Probably Damaging"; Align-GVGD: "Class C0"). This variant has not been reported in the literature in individuals affected with GATA2-related conditions. This variant is not present in population databases (gnomAD no frequency). This sequence change replaces serine, which is neutral and polar, with proline, which is neutral and non-polar, at codon 473 of the GATA2 protein (p.Ser473Pro).